The following is an entry in ClinVar:

ClinVar aggregate classification (germline): Pathogenic/Likely pathogenic. Review status: criteria provided, multiple submitters, no conflicts (2 of 4 stars). 3 submissions from 3 submitters: Pathogenic (1); Likely pathogenic (1). 1 of the submissions does not count toward it. Last evaluated 2025-12-11.

Conditions:
Oculocutaneous albinism. Identifiers: Orphanet 55, MedGen C0078918, MONDO:0018910.

Allele frequency attached by ClinVar (database versions not stated): TOPMed 0.00001.
gnomAD v4.1: 1 of 1,614,196 alleles (0.000062%); highest among the groups gnomAD compares: Non-Finnish European, 0.000085%; no homozygotes.

Submissions (3):

Women's Health and Genetics/Laboratory Corporation of America, LabCorp
Classification: Likely pathogenic for Oculocutaneous albinism. Last evaluated: 2025-12-11. Review status: criteria provided, single submitter. Criteria: LabCorp Variant Classification Summary - May 2015. Collection method: clinical testing. Allele origin: germline.
Comment: Variant summary: TYR c.308G>T (p.Cys103Phe) results in a non-conservative amino acid change in the encoded protein sequence. Algorithms developed to predict the effect of missense changes on protein structure and function all suggest that this variant is likely to be disruptive. The variant was absent in 251284 control chromosomes. c.308G>T has been observed in at-least one individual affected with Oculocutaneous Albinism (internal data). Two different variants affecting the same codon have been classified as likely pathogenic/pathogenic (c.307T>C,p.Cys103Arg and c.308G>A, p.Cys103Tyr), supporting the critical relevance of codon 103 to TYR protein function. To our knowledge, no experimental evidence demonstrating an impact on protein function has been reported. ClinVar contains an entry for this variant (Variation ID: 1493923). Based on the evidence outlined above, the variant was classified as likely pathogenic.

Labcorp Genetics (formerly Invitae), Labcorp
Classification: Pathogenic. Last evaluated: 2024-10-21. Review status: criteria provided, single submitter. Criteria: Invitae Variant Classification Sherloc (09022015). Collection method: clinical testing. Allele origin: germline.
Comment: This sequence change replaces cysteine, which is neutral and slightly polar, with phenylalanine, which is neutral and non-polar, at codon 103 of the TYR protein (p.Cys103Phe). This variant is not present in population databases (gnomAD no frequency). This missense change has been observed in individual(s) with oculocutaneous albinism (internal data). In at least one individual the data is consistent with being in trans (on the opposite chromosome) from a pathogenic variant. ClinVar contains an entry for this variant (Variation ID: 1493923). Invitae Evidence Modeling of protein sequence and biophysical properties (such as structural, functional, and spatial information, amino acid conservation, physicochemical variation, residue mobility, and thermodynamic stability) indicates that this missense variant is expected to disrupt TYR protein function with a positive predictive value of 95%. This variant disrupts the p.Cys103 amino acid residue in TYR. Other variant(s) that disrupt this residue have been determined to be pathogenic (PMID: 29345414, 30996339). This suggests that this residue is clinically significant, and that variants that disrupt this residue are likely to be disease-causing. For these reasons, this variant has been classified as Pathogenic.

Revvity Omics, Revvity
Classification: Uncertain significance. Last evaluated: 2022-03-10. Review status: flagged submission. Criteria: ACMG Guidelines, 2015. Collection method: clinical testing. Allele origin: germline. Not counted in ClinVar's aggregate classification.
ClinVar note: Reason: Older claim that does not account for recent evidence

Literature cited by the submitters: PubMed 29345414 (cited by Labcorp Genetics (formerly Invitae), Labcorp); PubMed 30996339 (cited by Labcorp Genetics (formerly Invitae), Labcorp).

NM_000372.5(TYR):c.308G>T (p.Cys103Phe)

Gene: TYR (tyrosinase; plus strand). Cytogenetic location: 11q14.3.
Variant type: single nucleotide variant.
Coding change: c.308G>T on transcript NM_000372.5 (MANE Select); coding-DNA position 308, G replaced by T.
Protein change: p.Cys103Phe; replaces cysteine 103 with phenylalanine.
Molecular consequence: missense variant.
Genome position (GRCh38, 1-based): chr11:89,178,261, G>T. VCF-style: chr11-89178261-G-T. GRCh37 (hg19) VCF-style: chr11-88911429-G-T.
Other names: short protein forms C103F.
Identifiers: ClinVar variation 1493923 (VCV001493923.12), dbSNP rs1943252098, ClinGen allele CA382034120.